The following is an entry in ClinVar:

NM_000069.3(CACNA1S):c.1678G>T (p.Ala560Ser)

Gene: CACNA1S (calcium voltage-gated channel subunit alpha1 S; minus strand). Cytogenetic location: 1q32.1.
Variant type: single nucleotide variant.
Coding change: c.1678G>T on transcript NM_000069.3 (MANE Select); coding-DNA position 1678, G replaced by T.
Protein change: p.Ala560Ser; replaces alanine 560 with serine.
Molecular consequence: missense variant.
Genome position (GRCh38, 1-based): chr1:201,077,069, C>A on the plus strand (G>T on the coding strand, the complement: CACNA1S is on the minus strand). VCF-style: chr1-201077069-C-A. GRCh37 (hg19) VCF-style: chr1-201046197-C-A.
Other names: short protein forms A560S.
Identifiers: ClinVar variation 548652 (VCV000548652.4), dbSNP rs763794604, ClinGen allele CA344120304.

ClinVar aggregate classification (germline): Uncertain significance. Review status: criteria provided, multiple submitters, no conflicts (2 of 4 stars). 3 submissions from 3 submitters: Uncertain significance (2). 1 of the submissions does not count toward it. Last evaluated 2024-01-11.

Conditions:
Rhabdomyolysis. Also called: Rhabdomyolysis (disease). Identifiers: MedGen C0035410, HP:0003201, MONDO:0005290.
Malignant hyperthermia, susceptibility to, 5 (MHS5). Also called: CACNA1S-Related Malignant Hyperthermia Susceptibility. Identifiers: Orphanet 423, MedGen C1866077, MONDO:0011163, OMIM 601887.

gnomAD v4.1: 4 of 1,614,164 alleles (0.00025%); highest among the groups gnomAD compares: Non-Finnish European, 0.00034%; no homozygotes.

Submissions (3):

All of Us Research Program, National Institutes of Health
Classification: Uncertain significance for Malignant hyperthermia, susceptibility to, 5. Last evaluated: 2024-01-11. Review status: criteria provided, single submitter. Criteria: ACMG Guidelines, 2015. Collection method: clinical testing. Allele origin: germline. Inheritance: Autosomal dominant inheritance. Observed: 1 variant allele, 1 heterozygote.
Comment: This study involves interpretation of variants in research participants for the purpose of population health screening. Participant phenotype was not available at the time of variant classification. Additional details can be found in publication PMID: 35346344, PMCID: PMC8962531

GeneDx
Classification: Uncertain significance. Last evaluated: 2019-10-01. Review status: criteria provided, single submitter. Criteria: GeneDx Variant Classification Process June 2021. Collection method: clinical testing. Allele origin: germline. Affected: yes.
Comment: Not observed in large population cohorts (Lek et al., 2016); In silico analysis, which includes protein predictors and evolutionary conservation, supports a deleterious effect; This variant is associated with the following publications: (PMID: 28779239)

Yale Center for Mendelian Genomics, Yale University
Classification: Likely pathogenic for Rhabdomyolysis. Last evaluated: 2017-08-05. Review status: no assertion criteria provided. Collection method: literature only. Allele origin: germline. Affected: yes. Observed: 1 heterozygote. Not counted in ClinVar's aggregate classification.

Literature cited by the submitters: PubMed 28779239 (cited by Yale Center for Mendelian Genomics, Yale University).